The following is an entry in ClinVar:

NM_006295.3(VARS1):c.2523G>A (p.Thr841=)

Gene: VARS1 (valyl-tRNA synthetase 1; minus strand). Cytogenetic location: 6p21.33.
Variant type: single nucleotide variant.
Coding change: c.2523G>A on transcript NM_006295.3 (MANE Select); coding-DNA position 2523, G replaced by A.
Protein change: p.Thr841=; no amino-acid change (threonine 841 retained).
Molecular consequence: synonymous variant.
Genome position (GRCh38, 1-based): chr6:31,781,502, C>T on the plus strand (G>A on the coding strand, the complement: VARS1 is on the minus strand). VCF-style: chr6-31781502-C-T. GRCh37 (hg19) VCF-style: chr6-31749279-C-T.
Identifiers: ClinVar variation 4847203 (VCV004847203.2).

ClinVar aggregate classification (germline): Likely benign. Review status: criteria provided, multiple submitters, no conflicts (2 of 4 stars). 2 submissions from 2 submitters: Likely benign (2). Last evaluated 2026-03-16.

gnomAD v4.1: 353 of 1,612,812 alleles (0.022%); highest among the groups gnomAD compares: Middle Eastern, 0.2%; 1 homozygote.

Submissions (2):

Women's Health and Genetics/Laboratory Corporation of America, LabCorp
Classification: Likely benign. Last evaluated: 2026-03-16. Review status: criteria provided, single submitter. Criteria: LabCorp Variant Classification Summary - May 2015. Collection method: clinical testing. Allele origin: germline.
Comment: Variant summary: VARS1 c.2523G>A alters a non-conserved nucleotide resulting in a synonymous change. Consensus agreement among computation tools predict no significant impact on normal splicing. However, these predictions have yet to be confirmed by functional studies. The variant allele was found at a frequency of 0.00021 in 1605920 control chromosomes in the gnomAD database, including 1 homozygote. To our knowledge, no occurrence of c.2523G>A in individuals affected with VARS1-related conditions and no experimental evidence demonstrating its impact on protein function have been reported. No submitters have cited clinical-significance assessments for this variant to ClinVar. Based on the evidence outlined above, the variant was classified as likely benign.

Blueprint Genetics
Classification: Likely benign. Last evaluated: 2024-11-25. Review status: criteria provided, single submitter. Criteria: ACMG Guidelines, 2015. Collection method: clinical testing. Allele origin: germline.